The following is an entry in ClinVar:

NM_006580.4(CLDN16):c.2T>C (p.Met1Thr)

Gene: CLDN16 (claudin 16; plus strand). Cytogenetic location: 3q28.
Variant type: single nucleotide variant.
Coding change: c.2T>C on transcript NM_006580.4 (MANE Select); coding-DNA position 2, T replaced by C.
Protein change: p.Met1Thr; changes the start codon (methionine 1).
Molecular consequence: missense variant, initiator codon variant.
Genome position (GRCh38, 1-based): chr3:190,388,331, T>C. VCF-style: chr3-190388331-T-C. GRCh37 (hg19) VCF-style: chr3-190106120-T-C.
Other names: c.2T>C, p.Met1Thr (NM_001378492.1, NM_001378493.1); short protein forms M1T.
Identifiers: ClinVar variation 1028522 (VCV001028522.3), dbSNP rs104893724, ClinGen allele CA355762540.

ClinVar aggregate classification (germline): Conflicting classifications of pathogenicity. Review status: criteria provided, conflicting classifications (1 of 4 stars). 2 submissions from 2 submitters: Pathogenic (1); Uncertain significance (1). Last evaluated 2024-04-04.

Conditions:
Primary hypomagnesemia (HOMG3). Also called: HYPOMAGNESEMIA, FAMILIAL, WITH HYPERCALCIURIA AND NEPHROCALCINOSIS; HYPOMAGNESEMIA, ISOLATED RENAL; HYPOMAGNESEMIA, PRIMARY, DUE TO DEFECT IN RENAL TUBULAR TRANSPORT OF MAGNESIUM; HYPOMAGNESEMIA 3, RENAL. Identifiers: Orphanet 31043, MedGen C0268448, MONDO:0009550, OMIM 248250.

Allele frequency attached by ClinVar (database versions not stated): gnomAD exomes below 0.00001.

Submissions (2):

Genomic Medicine Center of Excellence, King Faisal Specialist Hospital and Research Centre
Classification: Uncertain significance for Primary hypomagnesemia. Last evaluated: 2024-04-04. Review status: criteria provided, single submitter. Criteria: ACMG Guidelines, 2015. Collection method: clinical testing. Allele origin: germline.

Baylor Genetics
Classification: Pathogenic for Primary hypomagnesemia. Last evaluated: 2020-06-09. Review status: criteria provided, single submitter. Criteria: ACMG Guidelines, 2015. Collection method: clinical testing. Allele origin: unknown. Affected: yes.
Comment: This variant was determined to be pathogenic according to ACMG Guidelines, 2015 [PMID:25741868].